The following is an entry in ClinVar:

ClinVar aggregate classification (germline): Conflicting classifications of pathogenicity. Review status: criteria provided, conflicting classifications (1 of 4 stars). 5 submissions from 5 submitters: Uncertain significance (1); Likely benign (4). Last evaluated 2026-05-01.

Conditions:
Macrothrombocytopenia and granulocyte inclusions with or without nephritis or sensorineural hearing loss (MATINS). Also called: SEBASTIAN PLATELET SYNDROME; MACROTHROMBOCYTOPENIA WITH DISPERSED LEUKOCYTIC INCLUSIONS; MACROTHROMBOCYTOPENIA, NEPHRITIS, AND DEAFNESS; MACROTHROMBOCYTOPENIA, NEPHRITIS, DEAFNESS, AND LEUKOCYTE INCLUSIONS; ALPORT SYNDROME WITH MACROTHROMBOCYTOPENIA; Fechtner syndrome. Identifiers: Orphanet 182050, MedGen C5200934, MONDO:0015912, OMIM 155100.
Autosomal dominant nonsyndromic hearing loss 17. Also called: Deafness, autosomal dominant 17; Autosomal dominant nonsyndromic deafness 17. Identifiers: Orphanet 90635, MedGen C1863659, MONDO:0011350, OMIM 603622.
Kidney disorder. Also called: renal disorder; Kidney disease; Kidney Diseases; Nephropathy; renal disease. Identifiers: MedGen C0022658, MONDO:0005240, HP:0000112.

Allele frequency attached by ClinVar (database versions not stated): ExAC 0.00001; gnomAD exomes 0.00001 and 0.00002; gnomAD 0.00006 and 0.00007; TOPMed 0.00006; 1000 Genomes Project 30x 0.00016; 1000 Genomes Project 0.00020.
gnomAD v4.1: 52 of 1,614,166 alleles (0.0032%); highest among the groups gnomAD compares: African/African-American, 0.028%; no homozygotes.

Submissions (5):

CeGaT Center for Human Genetics Tuebingen
Classification: Likely benign. Last evaluated: 2026-05-01. Review status: criteria provided, single submitter. Criteria: CeGaT Center For Human Genetics Tuebingen Variant Classification Criteria Version 2. Collection method: clinical testing. Allele origin: germline. Affected: yes. Observed: 2 variant alleles.
Comment: MYH9: BP4, BP7

Labcorp Genetics (formerly Invitae), Labcorp
Classification: Likely benign. Last evaluated: 2025-08-02. Review status: criteria provided, single submitter. Criteria: Invitae Variant Classification Sherloc (09022015). Collection method: clinical testing. Allele origin: germline.

Blueprint Genetics
Classification: Likely benign. Last evaluated: 2024-03-08. Review status: criteria provided, single submitter. Criteria: ACMG Guidelines, 2015. Collection method: clinical testing. Allele origin: germline.

Fulgent Genetics
Classification: Likely benign for Macrothrombocytopenia and granulocyte inclusions with or without nephritis or sensorineural hearing loss; Autosomal dominant nonsyndromic hearing loss 17. Last evaluated: 2022-04-09. Review status: criteria provided, single submitter. Criteria: ACMG Guidelines, 2015. Collection method: clinical testing. Allele origin: unknown.

Genome Diagnostics Laboratory, The Hospital for Sick Children
Classification: Uncertain significance for Kidney disorder. Last evaluated: 2017-08-02. Review status: criteria provided, single submitter. Criteria: ACMG Guidelines, 2015. Collection method: clinical testing. Allele origin: germline.

NM_002473.6(MYH9):c.1788C>T (p.Ile596=)

Gene: MYH9 (myosin heavy chain 9; minus strand). Cytogenetic location: 22q12.3.
Variant type: single nucleotide variant.
Coding change: c.1788C>T on transcript NM_002473.6 (MANE Select); coding-DNA position 1788, C replaced by T.
Protein change: p.Ile596=; no amino-acid change (isoleucine 596 retained).
Molecular consequence: synonymous variant.
Genome position (GRCh38, 1-based): chr22:36,309,337, G>A on the plus strand (C>T on the coding strand, the complement: MYH9 is on the minus strand). VCF-style: chr22-36309337-G-A. GRCh37 (hg19) VCF-style: chr22-36705382-G-A.
Identifiers: ClinVar variation 798943 (VCV000798943.35), dbSNP rs113130911, ClinGen allele CA10210200.
Genomic context (GRCh38, chr22:36,309,337, plus strand): 5'-CGTACCATCCTTCCACAGCTCCGAGACAAACTTGTCAGAGGACTGGTGGAGCAGTGTGGC[G>A]ATGTTGTCATTCAGGGGATCCATGTTCTTCATCAGCCACTCGTCAGCTTTGTAATCCACC-3'
Protein context (NP_002464.1, residues 586-606): MKNMDPLNDN[Ile596=]ATLLHQSSDK